The following is an entry in ClinVar:

NM_000521.4(HEXB):c.1589C>G (p.Thr530Arg)

Gene: HEXB (hexosaminidase subunit beta; plus strand). Cytogenetic location: 5q13.3.
Variant type: single nucleotide variant.
Coding change: c.1589C>G on transcript NM_000521.4 (MANE Select); coding-DNA position 1589, C replaced by G.
Protein change: p.Thr530Arg; replaces threonine 530 with arginine.
Molecular consequence: missense variant.
Genome position (GRCh38, 1-based): chr5:74,720,723, C>G. VCF-style: chr5-74720723-C-G. GRCh37 (hg19) VCF-style: chr5-74016548-C-G.
Other names: c.914C>G, p.Thr305Arg (NM_001292004.2); short protein forms T305R, T530R.
Identifiers: ClinVar variation 918040 (VCV000918040.7), dbSNP rs531151091, ClinGen allele CA3306207.

ClinVar aggregate classification (germline): Likely benign (1 of 4 stars; one submission).

Conditions:
Sandhoff disease. Also called: GM2-GANGLIOSIDOSIS, TYPE II; HEXOSAMINIDASES A AND B DEFICIENCY; Beta-hexosaminidase-beta-subunit deficiency; GM2 gangliosidosis, type 2; Total hexosaminidase deficiency; Sandhoff-Jatzkewitz-Pilz disease. Identifiers: Orphanet 796, MedGen C0036161, MONDO:0010006, OMIM 268800.

Allele frequency attached by ClinVar (database versions not stated): gnomAD exomes 0.00003 and 0.00012; ExAC 0.00015; 1000 Genomes Project 30x 0.00031; 1000 Genomes Project 0.00040.
gnomAD v4.1: 49 of 1,613,782 alleles (0.003%); highest among the groups gnomAD compares: South Asian, 0.049%; no homozygotes.

Submission:

Labcorp Genetics (formerly Invitae), Labcorp
Classification: Likely benign for Sandhoff disease. Last evaluated: 2026-01-20. Review status: criteria provided, single submitter. Criteria: Invitae Variant Classification Sherloc (09022015). Collection method: clinical testing. Allele origin: germline.